The following is an entry in ClinVar:

NM_025207.5(FLAD1):c.207G>A (p.Leu69=)

Gene: FLAD1 (flavin adenine dinucleotide synthetase 1; plus strand). Cytogenetic location: 1q21.3.
Variant type: single nucleotide variant.
Coding change: c.207G>A on transcript NM_025207.5 (MANE Select); coding-DNA position 207, G replaced by A.
Protein change: p.Leu69=; no amino-acid change (leucine 69 retained).
Molecular consequence: synonymous variant. On other transcripts: 5 prime UTR variant (3).
Genome position (GRCh38, 1-based): chr1:154,983,901, G>A. VCF-style: chr1-154983901-G-A. GRCh37 (hg19) VCF-style: chr1-154956377-G-A.
Other names: c.-85G>A (NM_001184891.2, NM_201398.3); c.-730G>A (NM_001184892.2); c.207G>A (NM_025207.4).
Identifiers: ClinVar variation 3615969 (VCV003615969.3).

ClinVar aggregate classification (germline): Conflicting classifications of pathogenicity. Review status: criteria provided, conflicting classifications (1 of 4 stars). 2 submissions from 2 submitters: Uncertain significance (1); Likely benign (1). Last evaluated 2025-06-06.

gnomAD v4.1: 21 of 1,612,610 alleles (0.0013%); highest among the groups gnomAD compares: Non-Finnish European, 0.0018%; no homozygotes.

Submissions (2):

GeneDx
Classification: Uncertain significance. Last evaluated: 2025-06-06. Review status: criteria provided, single submitter. Criteria: GeneDx Variant Classification Process June 2021. Collection method: clinical testing. Allele origin: germline. Affected: yes.
Comment: Not observed at significant frequency in large population cohorts (gnomAD); In silico analysis suggests that this variant does not alter splicing; Has not been previously published as pathogenic or benign to our knowledge

Labcorp Genetics (formerly Invitae), Labcorp
Classification: Likely benign. Last evaluated: 2024-11-06. Review status: criteria provided, single submitter. Criteria: Invitae Variant Classification Sherloc (09022015). Collection method: clinical testing. Allele origin: germline.